The following is an entry in ClinVar:

NC_000009.12:g.35657652G>T

Gene: RMRP (RNA component of mitochondrial RNA processing endoribonuclease; minus strand). Cytogenetic location: 9p13.3.
Variant type: single nucleotide variant.
Genome position: GRCh38 VCF-style: chr9-35657652-G-T. GRCh37 (hg19) VCF-style: chr9-35657649-G-T.
Identifiers: ClinVar variation 2165455 (VCV002165455.1), dbSNP rs1289148391, ClinGen allele CA587259146.

ClinVar aggregate classification (germline): Uncertain significance (1 of 4 stars; one submission).

Conditions:
Anauxetic dysplasia. Identifiers: Orphanet 93347, MedGen C1846796, MONDO:0011773.

Allele frequency attached by ClinVar (database versions not stated): gnomAD 0.00005; TOPMed 0.00006.

Submission:

Labcorp Genetics (formerly Invitae), Labcorp
Classification: Uncertain significance for Anauxetic dysplasia. Last evaluated: 2021-08-31. Review status: criteria provided, single submitter. Criteria: Invitae Variant Classification Sherloc (09022015). Collection method: clinical testing. Allele origin: germline.
Comment: This variant occurs in the RMRP gene, which encodes an RNA molecule that does not result in a protein product. This variant has not been reported in the literature in individuals affected with RMRP-related conditions. Experimental studies and prediction algorithms are not available or were not evaluated, and the functional significance of this variant is currently unknown. In summary, the available evidence is currently insufficient to determine the role of this variant in disease. Therefore, it has been classified as a Variant of Uncertain Significance.